The following is an entry in ClinVar:

NM_020686.6(ABAT):c.603+3G>A

Gene: ABAT (4-aminobutyrate aminotransferase; plus strand). Cytogenetic location: 16p13.2.
Variant type: single nucleotide variant.
Coding change: c.603+3G>A on transcript NM_020686.6 (MANE Select); 3 bases into the intron after coding-DNA position 603, G replaced by A.
Molecular consequence: intron variant.
Genome position (GRCh38, 1-based): chr16:8,766,273, G>A. VCF-style: chr16-8766273-G-A. GRCh37 (hg19) VCF-style: chr16-8860130-G-A.
Other names: c.603+3G>A (NM_001386602.1, NM_001386609.1, NM_001386605.1 and 7 more transcripts); c.699+3G>A (NM_001386615.1); c.540+1443G>A (NM_001386607.1, NM_001386606.1); c.510+3G>A (NM_001386608.1); c.468+3G>A (NM_001386610.1, NM_001386611.1); c.357+3G>A (NM_001386614.1); c.405+1443G>A (NM_001386612.1, NM_001386613.1).
Identifiers: ClinVar variation 235392 (VCV000235392.54), dbSNP rs41312254, ClinGen allele CA7893202.

ClinVar aggregate classification (germline): Benign/Likely benign. Review status: criteria provided, multiple submitters, no conflicts (2 of 4 stars). 7 submissions from 7 submitters: Benign (4); Likely benign (2). 1 of the submissions does not count toward it. Last evaluated 2026-10-01.

Conditions:
Gamma-aminobutyric acid transaminase deficiency (GABATD). Also called: GABA aminotransaminase deficiency; GABA transaminase deficiency; Gamma aminobutyrate transaminase deficiency; 4 alpha aminobutyrate transaminase deficiency. Identifiers: Orphanet 2066, MedGen C0342708, MONDO:0013166, OMIM 613163.

Allele frequency attached by ClinVar (database versions not stated): gnomAD exomes 0.00789 and 0.00873; ExAC 0.00802; gnomAD 0.00903 and 0.00925; 1000 Genomes Project 30x 0.00984; TOPMed 0.00988; 1000 Genomes Project 0.00998; ESP Exome Variant Server 0.01000.
gnomAD v4.1: 14,248 of 1,613,772 alleles (0.88%); highest among the groups gnomAD compares: Middle Eastern, 1.9%; 75 homozygotes.

Submissions (7):

CeGaT Center for Human Genetics Tuebingen
Classification: Benign. Last evaluated: 2026-10-01. Review status: criteria provided, single submitter. Criteria: CeGaT Center For Human Genetics Tuebingen Variant Classification Criteria Version 2. Collection method: clinical testing. Allele origin: germline. Affected: yes. Observed: 30 variant alleles.
Comment: ABAT: BP4, BS1, BS2

Labcorp Genetics (formerly Invitae), Labcorp
Classification: Benign for Gamma-aminobutyric acid transaminase deficiency. Last evaluated: 2026-02-02. Review status: criteria provided, single submitter. Criteria: Invitae Variant Classification Sherloc (09022015). Collection method: clinical testing. Allele origin: germline.

Athena Diagnostics
Classification: Benign. Last evaluated: 2024-04-05. Review status: criteria provided, single submitter. Criteria: Athena Diagnostics Criteria. Collection method: clinical testing. Allele origin: unknown.

Illumina Laboratory Services, Illumina
Classification: Benign for Gamma-aminobutyric acid transaminase deficiency. Last evaluated: 2018-01-13. Review status: criteria provided, single submitter. Criteria: ICSL Variant Classification Criteria 13 December 2019. Collection method: clinical testing. Allele origin: germline.
Comment: This variant was observed in the ICSL laboratory as part of a predisposition screen in an ostensibly healthy population. It had not been previously curated by ICSL or reported in the Human Gene Mutation Database (HGMD: prior to June 1st, 2018), and was therefore a candidate for classification through an automated scoring system. Utilizing variant allele frequency, disease prevalence and penetrance estimates, and inheritance mode, an automated score was calculated to assess if this variant is too frequent to cause the disease. Based on the score and internal cut-off values, a variant classified as benign is not then subjected to further curation. The score for this variant resulted in a classification of benign for this disease.

Center for Pediatric Genomic Medicine, Children's Mercy Hospital and Clinics
Classification: Likely benign. Last evaluated: 2015-12-21. Review status: criteria provided, single submitter. Criteria: ACMG Guidelines, 2015. Collection method: clinical testing. Allele origin: germline.
ClinVar note: Converted during submission from Likely Benign to Likely benign.

Breakthrough Genomics
Classification: Likely benign. Review status: criteria provided, single submitter. Criteria: ACMG Guidelines, 2015. Collection method: not provided. Allele origin: germline. Inheritance: Autosomal recessive inheritance. Affected: yes.

Mayo Clinic Laboratories, Mayo Clinic
Classification: Likely benign. Last evaluated: 2016-02-29. Review status: no assertion criteria provided. Collection method: clinical testing. Allele origin: unknown. Not counted in ClinVar's aggregate classification.